The following is an entry in ClinVar:

NM_000540.3(RYR1):c.438G>C (p.Trp146Cys)

Gene: RYR1 (ryanodine receptor 1; plus strand). Cytogenetic location: 19q13.2.
Variant type: single nucleotide variant.
Coding change: c.438G>C on transcript NM_000540.3 (MANE Select); coding-DNA position 438, G replaced by C.
Protein change: p.Trp146Cys; replaces tryptophan 146 with cysteine.
Molecular consequence: missense variant.
Genome position (GRCh38, 1-based): chr19:38,444,162, G>C. VCF-style: chr19-38444162-G-C. GRCh37 (hg19) VCF-style: chr19-38934802-G-C.
Other names: c.438G>C, p.Trp146Cys (NM_001042723.2); short protein forms W146C.
Identifiers: ClinVar variation 4802109 (VCV004802109.1).

ClinVar aggregate classification (germline): Uncertain significance (1 of 4 stars; one submission).

Conditions:
RYR1-related disorder. Also called: RYR1-related condition; RYR1-related disorders. Identifiers: MedGen CN239331.

Submission:

Labcorp Genetics (formerly Invitae), Labcorp
Classification: Uncertain significance for RYR1-related disorder. Last evaluated: 2025-12-10. Review status: criteria provided, single submitter. Criteria: Invitae Variant Classification Sherloc (09022015). Collection method: clinical testing. Allele origin: germline.
Comment: This sequence change replaces tryptophan, which is neutral and slightly polar, with cysteine, which is neutral and slightly polar, at codon 146 of the RYR1 protein (p.Trp146Cys). This variant is not present in population databases (gnomAD no frequency). This variant has not been reported in the literature in individuals affected with RYR1-related conditions. Invitae Evidence Modeling of protein sequence and biophysical properties (such as structural, functional, and spatial information, amino acid conservation, physicochemical variation, residue mobility, and thermodynamic stability) indicates that this missense variant is expected to disrupt RYR1 protein function with a positive predictive value of 95%. In summary, the available evidence is currently insufficient to determine the role of this variant in disease. Therefore, it has been classified as a Variant of Uncertain Significance.